The following is an entry in ClinVar:

ClinVar aggregate classification (germline): Likely pathogenic. Review status: criteria provided, multiple submitters, no conflicts (2 of 4 stars). 2 submissions from 2 submitters: Likely pathogenic (2). Last evaluated 2023-06-20.

Conditions:
Anemia, nonspherocytic hemolytic, due to G6PD deficiency (CNSHA1). Also called: ANEMIA, CONGENITAL, NONSPHEROCYTIC HEMOLYTIC, 1; Hemolytic anemia due to G6PD deficiency; Class I glucose-6-phosphate dehydrogenase deficiency; Favism, susceptibility to. Identifiers: Orphanet 466026, MedGen C2720289, MONDO:0010480, OMIM 300908.

Submissions (2):

Revvity Omics, Revvity
Classification: Likely pathogenic for Anemia, nonspherocytic hemolytic, due to G6PD deficiency. Last evaluated: 2023-06-20. Review status: criteria provided, single submitter. Criteria: ACMG Guidelines, 2015. Collection method: clinical testing. Allele origin: germline.

Dunham Lab, University of Washington
Classification: Likely pathogenic for Anemia, nonspherocytic hemolytic, due to G6PD deficiency. Last evaluated: 2022-08-12. Review status: criteria provided, single submitter. Criteria: Bayesian ACMG Guidelines, 2018. Collection method: curation. Allele origin: unknown. Affected: yes.
Comment: Decreased actvity in red blood cells (PS3). Not found in gnomAD (PM2). Post_P 0.949 (odds of pathogenicity 168.4, Prior_P 0.1).

Literature cited by the submitters: PubMed 9410474 (cited by Dunham Lab, University of Washington).

NM_001360016.2(G6PD):c.1358T>A (p.Val453Glu)

Gene: G6PD (glucose-6-phosphate dehydrogenase; minus strand). Cytogenetic location: Xq28.
Variant type: single nucleotide variant.
Coding change: c.1358T>A on transcript NM_001360016.2 (MANE Select); coding-DNA position 1358, T replaced by A.
Protein change: p.Val453Glu; replaces valine 453 with glutamic acid.
Molecular consequence: missense variant.
Genome position (GRCh38, 1-based): chrX:154,532,392, A>T on the plus strand (T>A on the coding strand, the complement: G6PD is on the minus strand). VCF-style: chrX-154532392-A-T. GRCh37 (hg19) VCF-style: chrX-153760607-A-T.
Other names: G6PD Harima; c.1448T>A, p.Val483Glu (NM_000402.4); c.1358T>A, p.Val453Glu (NM_001042351.3); short protein forms V453E, V483E.
Identifiers: ClinVar variation 1722629 (VCV001722629.4), dbSNP rs2523261737, ClinGen allele CA415233626.
Genomic context (GRCh38, chrX:154,532,392, plus strand): 5'-GCAAAGGCCACCCCATAGCCCACAGGTATGCAGGGGCCGGCAGCTGGGCCTCACCTGCGC[A>T]CGAAGTGCATCTGGCTCCCGCAGAAGACGTCCAGGATGAGGCGCTCATAGGCGTCAGGGA-3'
Protein context (NP_001346945.1, residues 443-463): DVFCGSQMHF[Val453Glu]RSDELREAWR